The following is an entry in ClinVar:

ClinVar aggregate classification (germline): Likely benign (0 of 4 stars; one submission).

Conditions:
OXCT1-related disorder. Also called: OXCT1-related condition.

Allele frequency attached by ClinVar (database versions not stated): gnomAD 0.00001; TOPMed 0.00002; ExAC 0.00003; gnomAD exomes 0.00003; ESP Exome Variant Server 0.00008.

Submission:

PreventionGenetics, part of Exact Sciences
Classification: Likely benign for OXCT1-related condition. Last evaluated: 2021-12-29. Review status: no assertion criteria provided. Collection method: clinical testing. Allele origin: germline.
Comment: This variant is classified as likely benign based on ACMG/AMP sequence variant interpretation guidelines (Richards et al. 2015 PMID: 25741868, with internal and published modifications).

NM_000436.4(OXCT1):c.*1A>G

Gene: OXCT1 (3-oxoacid CoA-transferase 1; minus strand). Cytogenetic location: 5p13.1.
Variant type: single nucleotide variant.
Coding change: c.*1A>G on transcript NM_000436.4 (MANE Select); 1 bases downstream of the stop codon, A replaced by G.
Molecular consequence: 3 prime UTR variant. On other transcripts: non-coding transcript variant (1).
Genome position (GRCh38, 1-based): chr5:41,731,728, T>C on the plus strand (A>G on the coding strand, the complement: OXCT1 is on the minus strand). VCF-style: chr5-41731728-T-C. GRCh37 (hg19) VCF-style: chr5-41731830-T-C.
Other names: c.*1A>G (NM_001364299.2, NM_001364300.2, NM_001364301.2 and 2 more transcripts).
Identifiers: ClinVar variation 3031159 (VCV003031159.2), dbSNP rs372435451, ClinGen allele CA3253230.